The following is an entry in ClinVar:

NM_052989.3(IFT122):c.3472-1G>T

Gene: IFT122 (intraflagellar transport 122; plus strand). Cytogenetic location: 3q22.1.
Variant type: single nucleotide variant.
Coding change: c.3472-1G>T on transcript NM_052989.3 (MANE Select); the canonical splice acceptor site of the intron before coding-DNA position 3472, G replaced by T.
Molecular consequence: splice acceptor variant.
Genome position (GRCh38, 1-based): chr3:129,519,567, G>T. VCF-style: chr3-129519567-G-T. GRCh37 (hg19) VCF-style: chr3-129238410-G-T.
Other names: c.3022-1G>T (NM_001280545.2); c.3625-1G>T (NM_052985.4); c.3451-1G>T (NM_001280541.2); c.3475-1G>T (NM_001410808.1); c.3418-1G>T (NM_001410809.1); c.3298-1G>T (NM_001410810.1); c.3295-1G>T (NM_018262.4); c.3244-1G>T (NM_001410811.1); and 10 more.
Identifiers: ClinVar variation 4882148 (VCV004882148.3).

ClinVar aggregate classification (germline): Conflicting classifications of pathogenicity. Review status: criteria provided, conflicting classifications (1 of 4 stars). 2 submissions from 2 submitters: Likely pathogenic (1); Uncertain significance (1). Last evaluated 2026-08-06.

gnomAD v4.1: 2 of 1,613,260 alleles (0.00012%); highest among the groups gnomAD compares: Non-Finnish European, 0.00017%; no homozygotes.

Submissions (2):

OLLIN Analises Genomicas, OLLIN
Classification: Likely pathogenic. Last evaluated: 2026-08-06. Review status: criteria provided, single submitter. Criteria: ACMG Guidelines 2015 PMID 25741868. Collection method: clinical testing. Allele origin: germline.
Comment: This variant, located at the canonical splicing site (splice acceptor), has been observed in gnomAD with an allele frequency of 0.00012%, but has not been reported in ClinVar or identified in the literature. This variant is predicted to disrupt a canonical splice site, potentially leading to exon skipping, mRNA degradation via nonsense-mediated decay (NMD), or production of a truncated protein. According to the currently available evidence, this variant has been classified as likely pathogenic (PVS1, PM2_P).

Dasa
Classification: Uncertain significance. Last evaluated: 2025-06-17. Review status: criteria provided, single submitter. Criteria: DASA Assertion Criteria. Collection method: clinical testing. Allele origin: germline.
Comment: NM_052989.3(IFT122):c.3472-1G>T affects a canonical splice site and is predicted to disrupt normal RNA splicing. This variant is rare in population databases. The currently available literature and clinical evidence are not sufficient to establish a definitive association between this variant and the reported condition. Therefore, this variant is classified as a variant of uncertain significance.